The following is an entry in ClinVar:

NM_001458.5(FLNC):c.6121G>C (p.Ala2041Pro)

Genes: FLNC (filamin C; plus strand), FLNC-AS1 (FLNC antisense RNA 1; minus strand). Cytogenetic location: 7q32.1.
Variant type: single nucleotide variant.
Coding change: c.6121G>C on transcript NM_001458.5 (MANE Select); coding-DNA position 6121, G replaced by C.
Protein change: p.Ala2041Pro; replaces alanine 2041 with proline.
Molecular consequence: missense variant.
Genome position (GRCh38, 1-based): chr7:128,852,944, G>C. VCF-style: chr7-128852944-G-C. GRCh37 (hg19) VCF-style: chr7-128492998-G-C.
Other names: c.6022G>C, p.Ala2008Pro (NM_001127487.2); short protein forms A2041P, A2008P.
Identifiers: ClinVar variation 539372 (VCV000539372.13), dbSNP rs745842738, ClinGen allele CA4475892.

ClinVar aggregate classification (germline): Uncertain significance. Review status: criteria provided, multiple submitters, no conflicts (2 of 4 stars). 4 submissions from 4 submitters: Uncertain significance (4). Last evaluated 2026-07-21.

Conditions:
Hypertrophic cardiomyopathy 26. Also called: Cardiomyopathy, familial hypertrophic, 26. Identifiers: Orphanet 75249, MedGen C4310749, MONDO:0014883, OMIM 617047.
Distal myopathy with posterior leg and anterior hand involvement. Also called: WILLIAMS DISTAL MYOPATHY. Identifiers: Orphanet 63273, MedGen C3279722, MONDO:0013550, OMIM 614065.
Myofibrillar myopathy 5. Also called: Filaminopathy (type); FILAMINOPATHY, AUTOSOMAL DOMINANT. Identifiers: Orphanet 171445, MedGen C1836050, MONDO:0012289, OMIM 609524.
FLNC-related disorder. Also called: FLNC-related disorders; FLNC-related condition.
Cardiovascular phenotype. Identifiers: MedGen CN230736.

Allele frequency attached by ClinVar (database versions not stated): ExAC 0.00001; gnomAD exomes 0.00001; gnomAD 0.00002 and 0.00003; TOPMed 0.00003.
gnomAD v4.1: 39 of 1,613,464 alleles (0.0024%); highest among the groups gnomAD compares: Non-Finnish European, 0.0033%; no homozygotes.

Submissions (4):

PreventionGenetics, part of Exact Sciences
Classification: Uncertain significance for FLNC-related condition. Last evaluated: 2026-07-21. Review status: criteria provided, single submitter. Criteria: ACMG Guidelines, 2015. Collection method: clinical testing. Allele origin: germline.
Comment: The FLNC c.6121G>C variant is predicted to result in the amino acid substitution p.Ala2041Pro. To our knowledge, this variant has not been reported in the literature. This variant is reported in 0.0023% of alleles in individuals of European (Non-Finnish) descent in gnomAD. At this time, the clinical significance of this variant is uncertain due to the absence of conclusive functional and genetic evidence.

Labcorp Genetics (formerly Invitae), Labcorp
Classification: Uncertain significance for Distal myopathy with posterior leg and anterior hand involvement; Myofibrillar myopathy 5; Hypertrophic cardiomyopathy 26. Last evaluated: 2025-03-26. Review status: criteria provided, single submitter. Criteria: Invitae Variant Classification Sherloc (09022015). Collection method: clinical testing. Allele origin: germline.
Comment: This sequence change replaces alanine, which is neutral and non-polar, with proline, which is neutral and non-polar, at codon 2041 of the FLNC protein (p.Ala2041Pro). This variant is present in population databases (rs745842738, gnomAD 0.002%). This variant has not been reported in the literature in individuals affected with FLNC-related conditions. ClinVar contains an entry for this variant (Variation ID: 539372). Invitae Evidence Modeling of protein sequence and biophysical properties (such as structural, functional, and spatial information, amino acid conservation, physicochemical variation, residue mobility, and thermodynamic stability) has been performed for this missense variant. However, the output from this modeling did not meet the statistical confidence thresholds required to predict the impact of this variant on FLNC protein function. In summary, the available evidence is currently insufficient to determine the role of this variant in disease. Therefore, it has been classified as a Variant of Uncertain Significance.

Ambry Genetics
Classification: Uncertain significance for Cardiovascular phenotype. Last evaluated: 2022-10-02. Review status: criteria provided, single submitter. Criteria: Ambry Variant Classification Scheme 2023. Collection method: clinical testing. Allele origin: germline.
Comment: The p.A2041P variant (also known as c.6121G>C), located in coding exon 37 of the FLNC gene, results from a G to C substitution at nucleotide position 6121. The alanine at codon 2041 is replaced by proline, an amino acid with highly similar properties. This amino acid position is highly conserved in available vertebrate species. In addition, this alteration is predicted to be deleterious by in silico analysis. Since supporting evidence is limited at this time, the clinical significance of this alteration remains unclear.

Revvity Omics, Revvity
Classification: Uncertain significance. Last evaluated: 2022-09-27. Review status: criteria provided, single submitter. Criteria: ACMG Guidelines, 2015. Collection method: clinical testing. Allele origin: germline.